The following is an entry in ClinVar:

NM_000334.4(SCN4A):c.4644C>T (p.Ser1548=)

Genes: GH-LCR (growth hormone locus control region; plus strand), SCN4A (sodium voltage-gated channel alpha subunit 4; minus strand). Cytogenetic location: 17q23.3.
Variant type: single nucleotide variant.
Coding change: c.4644C>T on transcript NM_000334.4 (MANE Select); coding-DNA position 4644, C replaced by T.
Protein change: p.Ser1548=; no amino-acid change (serine 1548 retained).
Molecular consequence: synonymous variant.
Genome position (GRCh38, 1-based): chr17:63,941,638, G>A on the plus strand (C>T on the coding strand, the complement: SCN4A is on the minus strand). VCF-style: chr17-63941638-G-A. GRCh37 (hg19) VCF-style: chr17-62018998-G-A.
Identifiers: ClinVar variation 767060 (VCV000767060.17), dbSNP rs751973449, ClinGen allele CA8708926.

ClinVar aggregate classification (germline): Conflicting classifications of pathogenicity. Review status: criteria provided, conflicting classifications (1 of 4 stars). 7 submissions from 3 submitters: Uncertain significance (1); Likely benign (6). Last evaluated 2025-11-12.

Conditions:
Congenital myasthenic syndrome 16. Identifiers: Orphanet 590, MedGen C3280112, MONDO:0013620, OMIM 614198.
Paramyotonia congenita of Von Eulenburg. Also called: PARALYSIS PERIODICA PARAMYOTONICA; Eulenburg disease; Myotonia congenita intermittens; Von Eulenburg paramyotonia congenita; Paramyotonia Congenita. Identifiers: Orphanet 684, MedGen C0221055, MONDO:0008195, OMIM 168300. Disease mechanism: loss of function.
Hyperkalemic periodic paralysis. Also called: Familial hyperkalemic periodic paralysis; Gamstorp disease. Identifiers: Orphanet 682, MedGen C0238357, MONDO:0008224, OMIM 170500, HP:0007215.
Hypokalemic periodic paralysis, type 2 (HOKPP2). Identifiers: Orphanet 681, MedGen C2750061, MONDO:0013234, OMIM 613345.
Potassium-aggravated myotonia. Also called: MYOTONIA CONGENITA, ACETAZOLAMIDE-RESPONSIVE; MYOTONIA CONGENITA, ATYPICAL; SODIUM CHANNEL MUSCLE DISEASE; Myotonia congenita, atypical, acetazolamide-responsive. Identifiers: Orphanet 612, Orphanet 99734, Orphanet 99735, Orphanet 99736, MedGen C2931826, MONDO:0018959, OMIM 608390.

Allele frequency attached by ClinVar (database versions not stated): gnomAD 0.00011 and 0.00010; gnomAD exomes 0.00013 and 0.00007; ExAC 0.00009; TOPMed 0.00015.
gnomAD v4.1: 211 of 1,613,908 alleles (0.013%); highest among the groups gnomAD compares: Non-Finnish European, 0.016%; no homozygotes.

Submissions (7):

Labcorp Genetics (formerly Invitae), Labcorp
Classification: Likely benign for Hyperkalemic periodic paralysis. Last evaluated: 2025-11-12. Review status: criteria provided, single submitter. Criteria: Invitae Variant Classification Sherloc (09022015). Collection method: clinical testing. Allele origin: germline.

GeneDx
Classification: Likely benign. Last evaluated: 2019-03-22. Review status: criteria provided, single submitter. Criteria: GeneDx Variant Classification Process June 2021. Collection method: clinical testing. Allele origin: germline. Affected: yes.

Illumina Laboratory Services, Illumina
Classification: Likely benign for Hyperkalemic periodic paralysis. Last evaluated: 2018-01-13. Review status: criteria provided, single submitter. Criteria: ICSL Variant Classification Criteria 13 December 2019. Collection method: clinical testing. Allele origin: germline.
Comment: This variant was observed in the ICSL laboratory as part of a predisposition screen in an ostensibly healthy population. It had not been previously curated by ICSL or reported in the Human Gene Mutation Database (HGMD: prior to June 1st, 2018), and was therefore a candidate for classification through an automated scoring system. Utilizing variant allele frequency, disease prevalence and penetrance estimates, and inheritance mode, an automated score was calculated to assess if this variant is too frequent to cause the disease. Based on the score and internal cut-off values, a variant classified as likely benign is not then subjected to further curation. The score for this variant resulted in a classification of likely benign for this disease.

Illumina Laboratory Services, Illumina
Classification: Likely benign for Hypokalemic periodic paralysis, type 2. Last evaluated: 2018-01-13. Review status: criteria provided, single submitter. Criteria: ICSL Variant Classification Criteria 13 December 2019. Collection method: clinical testing. Allele origin: germline.
Comment: the same text as in the submission from Illumina Laboratory Services, Illumina above.

Illumina Laboratory Services, Illumina
Classification: Uncertain significance for Congenital myasthenic syndrome 16. Last evaluated: 2018-01-13. Review status: criteria provided, single submitter. Criteria: ICSL Variant Classification Criteria 13 December 2019. Collection method: clinical testing. Allele origin: germline.

Illumina Laboratory Services, Illumina
Classification: Likely benign for Paramyotonia congenita of Von Eulenburg. Last evaluated: 2018-01-13. Review status: criteria provided, single submitter. Criteria: ICSL Variant Classification Criteria 13 December 2019. Collection method: clinical testing. Allele origin: germline.
Comment: the same text as in the submission from Illumina Laboratory Services, Illumina above.

Illumina Laboratory Services, Illumina
Classification: Likely benign for Potassium-aggravated myotonia. Last evaluated: 2018-01-13. Review status: criteria provided, single submitter. Criteria: ICSL Variant Classification Criteria 13 December 2019. Collection method: clinical testing. Allele origin: germline.
Comment: the same text as in the submission from Illumina Laboratory Services, Illumina above.